The following is an entry in ClinVar:

ClinVar aggregate classification (germline): Uncertain significance. Review status: criteria provided, multiple submitters, no conflicts (2 of 4 stars). 2 submissions from 2 submitters: Uncertain significance (2). Last evaluated 2021-11-27.

Conditions:
Neuromuscular disease caused by qualitative or quantitative defects of dysferlin. Also called: Qualitative or quantitative defects of dysferlin; Dysferlinopathy. Identifiers: Orphanet 207073, MedGen C2931687, MONDO:0016145.

gnomAD v4.1: 7 of 1,613,998 alleles (0.00043%); highest among the groups gnomAD compares: Admixed American, 0.0033%; no homozygotes.

Submissions (2):

Labcorp Genetics (formerly Invitae), Labcorp
Classification: Uncertain significance for Neuromuscular disease caused by qualitative or quantitative defects of dysferlin. Last evaluated: 2021-11-27. Review status: criteria provided, single submitter. Criteria: Invitae Variant Classification Sherloc (09022015). Collection method: clinical testing. Allele origin: germline.
Comment: This sequence change replaces alanine, which is neutral and non-polar, with glycine, which is neutral and non-polar, at codon 1891 of the DYSF protein (p.Ala1891Gly). This variant is present in population databases (no rsID available, gnomAD 0.006%). This variant has not been reported in the literature in individuals affected with DYSF-related conditions. Advanced modeling of protein sequence and biophysical properties (such as structural, functional, and spatial information, amino acid conservation, physicochemical variation, residue mobility, and thermodynamic stability) performed at Invitae indicates that this missense variant is not expected to disrupt DYSF protein function. In summary, the available evidence is currently insufficient to determine the role of this variant in disease. Therefore, it has been classified as a Variant of Uncertain Significance.

Revvity Omics, Revvity
Classification: Uncertain significance. Last evaluated: 2021-05-26. Review status: criteria provided, single submitter. Criteria: ACMG Guidelines, 2015. Collection method: clinical testing. Allele origin: germline.

NM_001130987.2(DYSF):c.5789C>G (p.Ala1930Gly)

Gene: DYSF (dysferlin; plus strand). Cytogenetic location: 2p13.2.
Variant type: single nucleotide variant.
Coding change: c.5789C>G on transcript NM_001130987.2 (MANE Select); coding-DNA position 5789, C replaced by G.
Protein change: p.Ala1930Gly; replaces alanine 1930 with glycine.
Molecular consequence: missense variant.
Genome position (GRCh38, 1-based): chr2:71,674,201, C>G. VCF-style: chr2-71674201-C-G. GRCh37 (hg19) VCF-style: chr2-71901331-C-G.
Other names: c.5675C>G, p.Ala1892Gly (NM_001130455.2); c.5630C>G, p.Ala1877Gly (NM_001130976.2); c.5693C>G, p.Ala1898Gly (NM_001130977.2); c.5735C>G, p.Ala1912Gly (NM_001130978.2); c.5765C>G, p.Ala1922Gly (NM_001130979.2); c.5723C>G, p.Ala1908Gly (NM_001130980.2); c.5786C>G, p.Ala1929Gly (NM_001130981.2); c.5768C>G, p.Ala1923Gly (NM_001130982.2); and 5 more; short protein forms A1898G, A1899G, A1909G, A1930G, A1877G, A1908G, A1913G, A1922G.
Identifiers: ClinVar variation 1348027 (VCV001348027.5), dbSNP rs1346535569, ClinGen allele CA347224865.